The following is an entry in ClinVar:

ClinVar aggregate classification (germline): Uncertain significance (1 of 4 stars; one submission).

Submission:

Women's Health and Genetics/Laboratory Corporation of America, LabCorp
Classification: Uncertain significance. Last evaluated: 2022-04-28. Review status: criteria provided, single submitter. Criteria: LabCorp Variant Classification Summary - May 2015. Collection method: clinical testing. Allele origin: germline.
Comment: Variant summary: SYT2 c.1103A>C (p.Asn368Thr) results in a non-conservative amino acid change located in the C2 domain (IPR000008) of the encoded protein sequence. Five of five in-silico tools predict a damaging effect of the variant on protein function. The variant was absent in 251460 control chromosomes (gnomAD). The available data on variant occurrences in the general population are insufficient to allow any conclusion about variant significance. To our knowledge, no occurrence of c.1103A>C in individuals affected with Congenital Myasthenic Syndrome 7 and no experimental evidence demonstrating its impact on protein function have been reported. No clinical diagnostic laboratories have submitted clinical-significance assessments for this variant to ClinVar after 2014. Based on the evidence outlined above, the variant was classified as uncertain significance.

NM_177402.5(SYT2):c.1103A>C (p.Asn368Thr)

Gene: SYT2 (synaptotagmin 2; minus strand). Cytogenetic location: 1q32.1.
Variant type: single nucleotide variant.
Coding change: c.1103A>C on transcript NM_177402.5 (MANE Select); coding-DNA position 1103, A replaced by C.
Protein change: p.Asn368Thr; replaces asparagine 368 with threonine.
Molecular consequence: missense variant.
Genome position (GRCh38, 1-based): chr1:202,596,914, T>G on the plus strand (A>C on the coding strand, the complement: SYT2 is on the minus strand). VCF-style: chr1-202596914-T-G. GRCh37 (hg19) VCF-style: chr1-202566042-T-G.
Other names: c.1103A>C, p.Asn368Thr (NM_001136504.1); short protein forms N368T.
Identifiers: ClinVar variation 1683407 (VCV001683407.1), dbSNP rs2149063983, ClinGen allele CA344256073.